The following is an entry in ClinVar:

ClinVar aggregate classification (germline): Conflicting classifications of pathogenicity. Review status: criteria provided, conflicting classifications (1 of 4 stars). 7 submissions from 7 submitters: Uncertain significance (1); Benign (3); Likely benign (1). 2 of the submissions do not count toward it. Last evaluated 2025-11-27.

Conditions:
COL4A2-related disorder. Also called: COL4A2-related disorders; COL4A2-related condition.
Brain small vessel disease 2A, autosomal dominant. Also called: Porencephaly 2. Identifiers: Orphanet 2940, Orphanet 99810, MedGen C3280970, MONDO:0013773, OMIM 614483.
Hemorrhage, intracerebral, susceptibility to (ICH). Also called: Stroke, hemorrhagic, susceptibility to. Identifiers: MedGen C3281105, MONDO:0100533, OMIM 614519.

Allele frequency attached by ClinVar (database versions not stated): gnomAD 0.00151 and 0.00141; TOPMed 0.00158; 1000 Genomes Project 0.00100; 1000 Genomes Project 30x 0.00109; ESP Exome Variant Server 0.00142.
gnomAD v4.1: 743 of 1,613,472 alleles (0.046%); highest among the groups gnomAD compares: East Asian, 0.71%; 4 homozygotes.

Submissions (7):

Labcorp Genetics (formerly Invitae), Labcorp
Classification: Benign. Last evaluated: 2025-11-27. Review status: criteria provided, single submitter. Criteria: Invitae Variant Classification Sherloc (09022015). Collection method: clinical testing. Allele origin: germline.

Blueprint Genetics
Classification: Uncertain significance. Last evaluated: 2024-09-13. Review status: criteria provided, single submitter. Criteria: ACMG Guidelines, 2015. Collection method: clinical testing. Allele origin: germline.

CeGaT Center for Human Genetics Tuebingen
Classification: Benign. Last evaluated: 2024-04-01. Review status: criteria provided, single submitter. Criteria: CeGaT Center For Human Genetics Tuebingen Variant Classification Criteria Version 2. Collection method: clinical testing. Allele origin: germline. Affected: yes. Observed: 3 variant alleles.
Comment: COL4A2: BS1, BS2

Mendelics
Classification: Benign for Brain small vessel disease 2A, autosomal dominant. Last evaluated: 2019-05-28. Review status: criteria provided, single submitter. Criteria: Mendelics Assertion Criteria 2017. Collection method: clinical testing. Allele origin: unknown.

Illumina Laboratory Services, Illumina
Classification: Likely benign for Brain small vessel disease 2A, autosomal dominant. Last evaluated: 2017-04-28. Review status: criteria provided, single submitter. Criteria: ICSL Variant Classification Criteria 13 December 2019. Collection method: clinical testing. Allele origin: germline.
Comment: This variant was observed as part of a predisposition screen in an ostensibly healthy population. A literature search was performed for the gene, cDNA change, and amino acid change (where applicable). Publications were found based on this search. The evidence from the literature, in combination with allele frequency data from public databases where available, was sufficient to determine this variant is unlikely to cause disease. Therefore, this variant is classified as likely benign.

PreventionGenetics, part of Exact Sciences
Classification: Likely benign for COL4A2-related condition. Last evaluated: 2024-07-11. Review status: no assertion criteria provided. Collection method: clinical testing. Allele origin: germline. Not counted in ClinVar's aggregate classification.
Comment: This variant is classified as likely benign based on ACMG/AMP sequence variant interpretation guidelines (Richards et al. 2015 PMID: 25741868, with internal and published modifications).

OMIM
Classification: risk factor for HEMORRHAGE, INTRACEREBRAL, SUSCEPTIBILITY TO. Last evaluated: 2012-01-13. Review status: no assertion criteria provided. Collection method: literature only. Allele origin: germline. Not counted in ClinVar's aggregate classification.

Literature cited by the submitters: PubMed 22209247 (cited by Illumina Laboratory Services, Illumina and OMIM); PubMed 24390199 (cited by Illumina Laboratory Services, Illumina); PubMed 25653287 (cited by Illumina Laboratory Services, Illumina); PubMed 22914737 (cited by Illumina Laboratory Services, Illumina); PubMed 24646874 (cited by Illumina Laboratory Services, Illumina).

NM_001846.4(COL4A2):c.5068G>A (p.Ala1690Thr)

Gene: COL4A2 (collagen type IV alpha 2 chain; plus strand). Cytogenetic location: 13q34.
Variant type: single nucleotide variant.
Coding change: c.5068G>A on transcript NM_001846.4 (MANE Select); coding-DNA position 5068, G replaced by A.
Protein change: p.Ala1690Thr; replaces alanine 1690 with threonine.
Molecular consequence: missense variant.
Genome position (GRCh38, 1-based): chr13:110,512,120, G>A. VCF-style: chr13-110512120-G-A. GRCh37 (hg19) VCF-style: chr13-111164467-G-A.
Other names: short protein forms A1690T.
Identifiers: ClinVar variation 29631 (VCV000029631.39), dbSNP rs201105747, ClinGen allele CA128517.
Genomic context (GRCh38, chr13:110,512,120, plus strand): 5'-AACAAGTACAGCTTCTGGCTGACCACCATTCCCGAGCAGAGCTTCCAGGGCTCGCCCTCC[G>A]CCGACACGCTCAAGGCCGGCCTCATCCGCACACACATCAGCCGCTGCCAGGTGTGCATGA-3'
Protein context (NP_001837.2, residues 1680-1700): PEQSFQGSPS[Ala1690Thr]DTLKAGLIRT